The following is an entry in ClinVar:

ClinVar aggregate classification (germline): Likely benign (1 of 4 stars; one submission).

Submission:

CeGaT Center for Human Genetics Tuebingen
Classification: Likely benign. Last evaluated: 2026-08-01. Review status: criteria provided, single submitter. Criteria: CeGaT Center For Human Genetics Tuebingen Variant Classification Criteria Version 2. Collection method: clinical testing. Allele origin: germline. Affected: yes. Observed: 1 variant allele.
Comment: BRIP1: PM2:Supporting, BP4, BP7

NM_032043.3(BRIP1):c.1527T>G (p.Gly509=)

Gene: BRIP1 (BRCA1 interacting DNA helicase 1; minus strand). Cytogenetic location: 17q23.2.
Variant type: single nucleotide variant.
Coding change: c.1527T>G on transcript NM_032043.3 (MANE Select); coding-DNA position 1527, T replaced by G.
Protein change: p.Gly509=; no amino-acid change (glycine 509 retained).
Molecular consequence: synonymous variant.
Genome position (GRCh38, 1-based): chr17:61,784,371, A>C on the plus strand (T>G on the coding strand, the complement: BRIP1 is on the minus strand). VCF-style: chr17-61784371-A-C. GRCh37 (hg19) VCF-style: chr17-59861732-A-C.
Identifiers: ClinVar variation 5039856 (VCV005039856.1).
Genomic context (GRCh38, chr17:61,784,371, plus strand): 5'-TCCTTTAAGCATTATTTGAGTTGATGCACTAATAACAGGTACTTCTCTTGCCTCCTCTTT[A>C]CCATAAATTGGTGAGATTTTTTCCTCTTTTTGAAGAACAGCAGAAAAATGTCCCTATAAG-3'
Protein context (NP_114432.2, residues 499-519): QKEEKISPIY[Gly509=]KEEAREVPVI